The following is an entry in ClinVar:

ClinVar aggregate classification (germline): Uncertain significance (1 of 4 stars; one submission).

Allele frequency attached by ClinVar (database versions not stated): TOPMed 0.00001.
gnomAD v4.1: 2 of 1,613,666 alleles (0.00012%); highest among the groups gnomAD compares: African/African-American, 0.0027%; no homozygotes.

Submission:

GeneDx
Classification: Uncertain significance. Last evaluated: 2017-06-05. Review status: criteria provided, single submitter. Criteria: GeneDx Variant Classification (06012015). Collection method: clinical testing. Allele origin: germline. Affected: yes.
Comment: A variant of uncertain significance has been identified in the NEB gene. The V6493L variant has not been published as a pathogenic variant, nor has it been reported as a benign variant to our knowledge. The V6493L variant is not observed in large population cohorts (Lek et al., 2016; 1000 Genomes Consortium et al., 2015; Exome Variant Server). This substitution occurs at a position that is conserved in mammals. However, the V6493L variant is a conservative amino acid substitution, which is not likely to impact secondary protein structure as these residues share similar properties. In silico analysis is inconsistent in its predictions as to whether or not the variant is damaging to the protein structure/function. Therefore, based on the currently available information, it is unclear whether this variant is a pathogenic variant or a rare benign variant.

NM_001164508.2(NEB):c.19477G>C (p.Val6493Leu)

Genes: NEB (nebulin; minus strand), LOC126806373 (BRD4-independent group 4 enhancer GRCh37_chr2:152410007-152411206; plus strand). Cytogenetic location: 2q23.3.
Variant type: single nucleotide variant.
Coding change: c.19477G>C on transcript NM_001164508.2 (MANE Select); coding-DNA position 19477, G replaced by C.
Protein change: p.Val6493Leu; replaces valine 6493 with leucine.
Molecular consequence: missense variant.
Genome position (GRCh38, 1-based): chr2:151,553,977, C>G on the plus strand (G>C on the coding strand, the complement: NEB is on the minus strand). VCF-style: chr2-151553977-C-G. GRCh37 (hg19) VCF-style: chr2-152410491-C-G.
Other names: c.19477G>C, p.Val6493Leu (NM_001164507.2, NM_001271208.2); c.14374G>C, p.Val4792Leu (NM_004543.5); short protein forms V6493L, V4792L.
Identifiers: ClinVar variation 432453 (VCV000432453.2), dbSNP rs1233717326, ClinGen allele CA348791700.